The following is an entry in ClinVar:

ClinVar aggregate classification (germline): Uncertain significance. Review status: criteria provided, multiple submitters, no conflicts (2 of 4 stars). 2 submissions from 2 submitters: Uncertain significance (2). Last evaluated 2025-09-22.

Conditions:
Inborn genetic diseases. Identifiers: MedGen C0950123, MeSH D030342.

Allele frequency attached by ClinVar (database versions not stated): TOPMed 0.00001.
gnomAD v4.1: 25 of 1,466,794 alleles (0.0017%); highest among the groups gnomAD compares: Middle Eastern, 0.054%; no homozygotes.

Submissions (2):

Labcorp Genetics (formerly Invitae), Labcorp
Classification: Uncertain significance. Last evaluated: 2025-09-22. Review status: criteria provided, single submitter. Criteria: Invitae Variant Classification Sherloc (09022015). Collection method: clinical testing. Allele origin: germline.
Comment: This sequence change replaces arginine, which is basic and polar, with cysteine, which is neutral and slightly polar, at codon 331 of the PCGF2 protein (p.Arg331Cys). This variant is not present in population databases (gnomAD no frequency). This variant has not been reported in the literature in individuals affected with PCGF2-related conditions. ClinVar contains an entry for this variant (Variation ID: 2285890). An algorithm developed to predict the effect of missense changes on protein structure and function (PolyPhen-2) suggests that this variant is likely to be tolerated. In summary, the available evidence is currently insufficient to determine the role of this variant in disease. Therefore, it has been classified as a Variant of Uncertain Significance.

Ambry Genetics
Classification: Uncertain significance for Inborn genetic diseases. Last evaluated: 2022-04-25. Review status: criteria provided, single submitter. Criteria: Ambry Variant Classification Scheme 2023. Collection method: clinical testing. Allele origin: germline.

NM_007144.3(PCGF2):c.991C>T (p.Arg331Cys)

Genes: CISD3 (CDGSH iron sulfur domain 3; plus strand), PCGF2 (polycomb group ring finger 2; minus strand). Cytogenetic location: 17q12.
Variant type: single nucleotide variant.
Coding change: c.991C>T on transcript NM_007144.3 (MANE Select); coding-DNA position 991, C replaced by T.
Protein change: p.Arg331Cys; replaces arginine 331 with cysteine.
Molecular consequence: missense variant. On other transcripts: 3 prime UTR variant (1).
Genome position (GRCh38, 1-based): chr17:38,735,267, G>A on the plus strand (C>T on the coding strand, the complement: PCGF2 is on the minus strand). VCF-style: chr17-38735267-G-A. GRCh37 (hg19) VCF-style: chr17-36891520-G-A.
Other names: c.*1812G>A (NM_001136498.2); c.991C>T, p.Arg331Cys (NM_001369614.1, NM_001369615.1); short protein forms R331C.
Identifiers: ClinVar variation 2285890 (VCV002285890.3), dbSNP rs1906600599, ClinGen allele CA398819416.